The following is an entry in ClinVar:

NM_017763.6(RNF43):c.420C>T (p.Asp140=)

Gene: RNF43 (ring finger protein 43; minus strand). Cytogenetic location: 17q22.
Variant type: single nucleotide variant.
Coding change: c.420C>T on transcript NM_017763.6 (MANE Select); coding-DNA position 420, C replaced by T.
Protein change: p.Asp140=; no amino-acid change (aspartic acid 140 retained).
Molecular consequence: synonymous variant.
Genome position (GRCh38, 1-based): chr17:58,363,556, G>A on the plus strand (C>T on the coding strand, the complement: RNF43 is on the minus strand). VCF-style: chr17-58363556-G-A. GRCh37 (hg19) VCF-style: chr17-56440917-G-A.
Other names: c.420C>T, p.Asp140= (NM_001305544.3); c.39C>T, p.Asp13= (NM_001305545.2).
Identifiers: ClinVar variation 3434522 (VCV003434522.2).

ClinVar aggregate classification (germline): Benign/Likely benign. Review status: criteria provided, multiple submitters, no conflicts (2 of 4 stars). 2 submissions from 2 submitters: Benign (1); Likely benign (1). Last evaluated 2026-06-29.

Conditions:
Sessile serrated polyposis cancer syndrome (SSPCS). Identifiers: Orphanet 157798, MedGen C4310714, MONDO:0014919, OMIM 617108.

gnomAD v4.1: 19 of 1,612,824 alleles (0.0012%); highest among the groups gnomAD compares: East Asian, 0.0022%; no homozygotes.

Submissions (2):

Myriad Genetics, Inc.
Classification: Benign for Sessile serrated polyposis cancer syndrome. Last evaluated: 2026-06-29. Review status: criteria provided, single submitter. Criteria: Myriad Autosomal Dominant, Autosomal Recessive and X-Linked Classification Criteria (2023). Collection method: clinical testing. Allele origin: unknown.
Comment: This variant is considered benign. This variant is a silent/synonymous amino acid change and it is not expected to impact splicing.

Ambry Genetics
Classification: Likely benign. Last evaluated: 2024-11-26. Review status: criteria provided, single submitter. Criteria: Ambry Variant Classification Scheme 2023. Collection method: clinical testing. Allele origin: germline.